The following is an entry in ClinVar:

NM_005591.4(MRE11):c.1912A>G (p.Lys638Glu)

Gene: MRE11 (MRE11 double strand break repair nuclease; minus strand). Cytogenetic location: 11q21.
Variant type: single nucleotide variant.
Coding change: c.1912A>G on transcript NM_005591.4 (MANE Select); coding-DNA position 1912, A replaced by G.
Protein change: p.Lys638Glu; replaces lysine 638 with glutamic acid.
Molecular consequence: missense variant.
Genome position (GRCh38, 1-based): chr11:94,437,191, T>C on the plus strand (A>G on the coding strand, the complement: MRE11 is on the minus strand). VCF-style: chr11-94437191-T-C. GRCh37 (hg19) VCF-style: chr11-94170357-T-C.
Other names: c.1909A>G, p.Lys637Glu (NM_001330347.2); c.1828A>G, p.Lys610Glu (NM_005590.4); short protein forms K610E, K637E, K638E.
Identifiers: ClinVar variation 3295825 (VCV003295825.1).

ClinVar aggregate classification (germline): Uncertain significance (1 of 4 stars; one submission).

Conditions:
Hereditary cancer-predisposing syndrome. Also called: Tumor predisposition; Hereditary Cancer Syndrome; Hereditary neoplastic syndrome; Neoplastic Syndromes, Hereditary. Identifiers: Orphanet 140162, MedGen C0027672, MeSH D009386, MONDO:0015356.

Submission:

Ambry Genetics
Classification: Uncertain significance for Hereditary cancer-predisposing syndrome. Last evaluated: 2024-05-18. Review status: criteria provided, single submitter. Criteria: Ambry Variant Classification Scheme 2023. Collection method: clinical testing. Allele origin: germline.
Comment: The p.K638E variant (also known as c.1912A>G), located in coding exon 16 of the MRE11A gene, results from an A to G substitution at nucleotide position 1912. The lysine at codon 638 is replaced by glutamic acid, an amino acid with similar properties. This amino acid position is conserved. In addition, the in silico prediction for this alteration is inconclusive. Based on the available evidence, the clinical significance of this variant remains unclear.